The following is an entry in ClinVar:

ClinVar aggregate classification (germline): Benign/Likely benign. Review status: criteria provided, single submitter (1 of 4 stars). 5 submissions from 1 submitter: Benign (4); Likely benign (1). Last evaluated 2018-01-13.

Conditions:
Anophthalmia-microphthalmia syndrome. Also called: Anophthalmia/Microphthalmia; Anophthalmia - microphthalmia. Identifiers: Orphanet 98555, MedGen C5680330, MONDO:0020147.
Autosomal dominant keratitis. Also called: Keratitis, hereditary. Identifiers: Orphanet 2334, MedGen C1835698, MONDO:0007848, OMIM 148190.
carboxymethyl-dextran-A2-gadolinium-DOTA.
11p partial monosomy syndrome (WAGR). Also called: WAGR Spectrum Disorder; WAGR syndrome; WAGR Complex; CHROMOSOME 11p13 DELETION SYNDROME. Identifiers: Orphanet 893, MedGen C0206115, MONDO:0008681, OMIM 194072.
Foveal hypoplasia 1. Also called: FOVEAL HYPOPLASIA 1 WITH OR WITHOUT ANTERIOR SEGMENT ANOMALIES AND/OR CATARACT; FOVEAL HYPOPLASIA 1 WITH ANTERIOR SEGMENT ANOMALIES. Identifiers: Orphanet 2253, MedGen C3805604, MONDO:0007628, OMIM 136520.

Allele frequency attached by ClinVar (database versions not stated): gnomAD 0.00236; TOPMed 0.00303; 1000 Genomes Project 0.00240; 1000 Genomes Project 30x 0.00234.
gnomAD v4.1: 786 of 232,818 alleles (0.34%); highest among the groups gnomAD compares: South Asian, 0.53%; 6 homozygotes.

Submissions (5):

Illumina Laboratory Services, Illumina
Classification: Benign for Wilms tumor, aniridia, genitourinary anomalies, and mental retardation syndrome. Last evaluated: 2018-01-13. Review status: criteria provided, single submitter. Criteria: ICSL Variant Classification Criteria 13 December 2019. Collection method: clinical testing. Allele origin: germline.
Comment: This variant was observed in the ICSL laboratory as part of a predisposition screen in an ostensibly healthy population. It had not been previously curated by ICSL or reported in the Human Gene Mutation Database (HGMD: prior to June 1st, 2018), and was therefore a candidate for classification through an automated scoring system. Utilizing variant allele frequency, disease prevalence and penetrance estimates, and inheritance mode, an automated score was calculated to assess if this variant is too frequent to cause the disease. Based on the score and internal cut-off values, a variant classified as benign is not then subjected to further curation. The score for this variant resulted in a classification of benign for this disease.

Illumina Laboratory Services, Illumina
Classification: Benign for carboxymethyl-dextran-A2-gadolinium-DOTA. Last evaluated: 2018-01-13. Review status: criteria provided, single submitter. Criteria: ICSL Variant Classification Criteria 13 December 2019. Collection method: clinical testing. Allele origin: germline.
Comment: the same text as in the submission from Illumina Laboratory Services, Illumina above.

Illumina Laboratory Services, Illumina
Classification: Likely benign for Anophthalmia-microphthalmia syndrome. Last evaluated: 2018-01-13. Review status: criteria provided, single submitter. Criteria: ICSL Variant Classification Criteria 13 December 2019. Collection method: clinical testing. Allele origin: germline.
Comment: This variant was observed in the ICSL laboratory as part of a predisposition screen in an ostensibly healthy population. It had not been previously curated by ICSL or reported in the Human Gene Mutation Database (HGMD: prior to June 1st, 2018), and was therefore a candidate for classification through an automated scoring system. Utilizing variant allele frequency, disease prevalence and penetrance estimates, and inheritance mode, an automated score was calculated to assess if this variant is too frequent to cause the disease. Based on the score and internal cut-off values, a variant classified as likely benign is not then subjected to further curation. The score for this variant resulted in a classification of likely benign for this disease.

Illumina Laboratory Services, Illumina
Classification: Benign for Foveal hypoplasia 1. Last evaluated: 2018-01-13. Review status: criteria provided, single submitter. Criteria: ICSL Variant Classification Criteria 13 December 2019. Collection method: clinical testing. Allele origin: germline.
Comment: the same text as in the submission from Illumina Laboratory Services, Illumina above.

Illumina Laboratory Services, Illumina
Classification: Benign for Autosomal dominant keratitis. Last evaluated: 2018-01-13. Review status: criteria provided, single submitter. Criteria: ICSL Variant Classification Criteria 13 December 2019. Collection method: clinical testing. Allele origin: germline.
Comment: the same text as in the submission from Illumina Laboratory Services, Illumina above.

NM_000280.4(PAX6):c.*2697T>A

Genes: ELP4 (elongator acetyltransferase complex subunit 4; plus strand), PAX6 (paired box 6; minus strand). Cytogenetic location: 11p13.
Variant type: single nucleotide variant.
Coding change: c.*2697T>A on transcript NM_000280.4; 2697 bases downstream of the stop codon, T replaced by A.
Molecular consequence: 3 prime UTR variant (on NM_019040.5).
Genome position (GRCh38, 1-based): chr11:31,787,237, A>T on the plus strand (T>A on the coding strand, the complement: PAX6 is on the minus strand). VCF-style: chr11-31787237-A-T. GRCh37 (hg19) VCF-style: chr11-31808785-A-T.
Other names: c.*3699A>T (NM_001288725.2); c.*3808A>T (NM_001288726.2); c.*3713A>T (NM_019040.5).
Identifiers: ClinVar variation 304322 (VCV000304322.8), dbSNP rs138881442, ClinGen allele CA10638293.
Genomic context (GRCh38, chr11:31,787,237, plus strand): 5'-GCAGCCGTTCCCATCCTGCCGGACCAGAGGGCTTCTGCAGCTGAGCAGCCGCTTCTTCAG[A>T]CTATACCAGACTGTGCTACTTTGCCCTGGCAATCCTGACCTTCAGAGCACACATATACGT-3'